The following is an entry in ClinVar:

ClinVar aggregate classification (germline): Uncertain significance (1 of 4 stars; one submission).

Conditions:
Cardiovascular phenotype. Identifiers: MedGen CN230736.

gnomAD v4.1: 1 of 1,610,050 alleles (0.000062%); no homozygotes.

Submission:

Ambry Genetics
Classification: Uncertain significance for Cardiovascular phenotype. Last evaluated: 2026-05-28. Review status: criteria provided, single submitter. Criteria: Ambry Variant Classification Scheme 2023. Collection method: clinical testing. Allele origin: germline.
Comment: The p.S584R variant (also known as c.1752C>G), located in coding exon 14 of the ENG gene, results from a C to G substitution at nucleotide position 1752. The serine at codon 584 is replaced by arginine, an amino acid with dissimilar properties. This amino acid position is conserved. In addition, this alteration is predicted to be tolerated by in silico analysis. Based on the available evidence, the clinical significance of this variant remains unclear.

NM_001114753.3(ENG):c.1752C>G (p.Ser584Arg)

Gene: ENG (endoglin; minus strand). Cytogenetic location: 9q34.11.
Variant type: single nucleotide variant.
Coding change: c.1752C>G on transcript NM_001114753.3 (MANE Select); coding-DNA position 1752, C replaced by G.
Protein change: p.Ser584Arg; replaces serine 584 with arginine.
Molecular consequence: missense variant.
Genome position (GRCh38, 1-based): chr9:127,816,043, G>C on the plus strand (C>G on the coding strand, the complement: ENG is on the minus strand). VCF-style: chr9-127816043-G-C. GRCh37 (hg19) VCF-style: chr9-130578322-G-C.
Other names: c.1752C>G, p.Ser584Arg (NM_000118.4); c.1206C>G, p.Ser402Arg (NM_001278138.2); short protein forms S402R, S584R.
Identifiers: ClinVar variation 4870410 (VCV004870410.1).